The following is an entry in ClinVar:

ClinVar aggregate classification (germline): Likely pathogenic (1 of 4 stars; one submission).

Conditions:
Stickler syndrome. Identifiers: Orphanet 828, MedGen C0265253, MONDO:0019354.

Submission:

Division of Genetic & Genomic Pathology, Hong Kong Children's Hospital
Classification: Likely pathogenic for Stickler syndrome. Last evaluated: 2025-07-13. Review status: criteria provided, single submitter. Criteria: ACMG Guidelines, 2015. Collection method: clinical testing. Allele origin: germline. Affected: yes.
Comment: NM_001844.5(COL2A1):c.3111+1G>A p.? is a splicing variant in intron 44 (out of 54 exons) of the gene affecting the canonical donor splice site. This variant is absent in population control database (gnomAD v4.1.0). It has been reported in an individual with early-onset high myopia (PMID: 29453956). COL2A1 is curated as a gene with sufficient evidence for haploinsufficiency pertaining to Stickler Syndrome in ClinGen. For these reasons, this variant is classified as likely pathogenic.

Literature cited by the submitters: PubMed 29453956.

NM_001844.5(COL2A1):c.3111+1G>A

Gene: COL2A1 (collagen type II alpha 1 chain; minus strand). Cytogenetic location: 12q13.11.
Variant type: single nucleotide variant.
Coding change: c.3111+1G>A on transcript NM_001844.5 (MANE Select); the canonical splice donor site of the intron after coding-DNA position 3111, G replaced by A.
Molecular consequence: splice donor variant.
Genome position (GRCh38, 1-based): chr12:47,978,009, C>T on the plus strand (G>A on the coding strand, the complement: COL2A1 is on the minus strand). VCF-style: chr12-47978009-C-T. GRCh37 (hg19) VCF-style: chr12-48371792-C-T.
Other names: c.2904+1G>A (NM_033150.3).
Identifiers: ClinVar variation 4849228 (VCV004849228.1).